The following is an entry in ClinVar:

NM_003072.5(SMARCA4):c.2254G>A (p.Gly752Ser)

Gene: SMARCA4 (SWI/SNF related BAF chromatin remodeling complex subunit ATPase 4; plus strand). Cytogenetic location: 19p13.2.
Variant type: single nucleotide variant.
Coding change: c.2254G>A on transcript NM_003072.5 (MANE Select); coding-DNA position 2254, G replaced by A.
Protein change: p.Gly752Ser; replaces glycine 752 with serine.
Molecular consequence: missense variant. On other transcripts: non-coding transcript variant (1).
Genome position (GRCh38, 1-based): chr19:11,010,511, G>A. VCF-style: chr19-11010511-G-A. GRCh37 (hg19) VCF-style: chr19-11121187-G-A.
Other names: c.2254G>A, p.Gly752Ser (NM_001128844.3, NM_001128845.2, NM_001128846.2 and 6 more transcripts); short protein forms G752S.
Identifiers: ClinVar variation 4531703 (VCV004531703.1).

ClinVar aggregate classification (germline): Uncertain significance (1 of 4 stars; one submission).

Conditions:
Intellectual disability, autosomal dominant 16 (CSS4). Also called: COFFIN-SIRIS SYNDROME 4. Identifiers: Orphanet 1465, MedGen C3553249, MONDO:0013821, OMIM 614609.

Submission:

Victorian Clinical Genetics Services, Murdoch Childrens Research Institute
Classification: Uncertain significance for Intellectual disability, autosomal dominant 16. Last evaluated: 2025-02-03. Review status: criteria provided, single submitter. Criteria: ACMG Guidelines, 2015. Collection method: clinical testing. Allele origin: germline. Affected: yes.
Comment: This variant is classified as VUS-3B. Evidence in support of pathogenic classification: Variant is absent from gnomAD (v2, v3 and v4); Missense variant predicted to be damaging by in silico tool(s) or highly conserved with a major amino acid change. Additional information: Variant is predicted to result in a missense amino acid change from glycine to serine; This variant is heterozygous; This gene is associated with autosomal dominant disease; This variant has no previous evidence of pathogenicity; No published segregation evidence has been identified for this variant; No published functional evidence has been identified for this variant; Another missense variant comparable to the one identified in this case has inconclusive previous evidence for pathogenicity. p.(Gly752Asp) has been classified once as a VUS by a clinical laboratory (ClinVar); Variant is not located in an established domain, motif, hotspot or informative constraint region; Dominant negative or gain of function are likely mechanisms of disease in this gene and are associated with Coffin-Siris syndrome 4 (MIM#614609) (PMID: 23556151). However, susceptibility to rhabdoid tumor predisposition syndrome 2 (MIM#613325) is associated with loss of function variants (OMIM, PMID: 22426308); Inheritance information for this variant is not currently available in this individual.

Literature cited by the submitters: PubMed 22426308; PubMed 23556151.